The following is an entry in ClinVar:

NM_020794.2:c.686T>A

Gene: LRRC7 (leucine rich repeat containing 7; plus strand).
Variant type: single nucleotide variant.
Identifiers: ClinVar variation 4831703 (VCV004831703.1).

ClinVar aggregate classification (germline): Pathogenic (1 of 4 stars; one submission).

Submission:

Ambry Genetics
Classification: Pathogenic. Last evaluated: 2026-02-17. Review status: criteria provided, single submitter. Criteria: Ambry Variant Classification Scheme 2023. Collection method: clinical testing. Allele origin: germline.
Comment: The c.686T>A (p.L229*) alteration, located in coding exon 8 of the LRRC7 gene, consists of a T to A substitution at nucleotide position 686. This changes the amino acid from a leucine (L) to a stop codon at amino acid position 229. This alteration is expected to result in loss of function by premature protein truncation or nonsense-mediated mRNA decay. This variant was not reported in population-based cohorts in the Genome Aggregation Database (gnomAD). Based on the available evidence, this alteration is classified as pathogenic.